The following is an entry in ClinVar:

NM_000540.3(RYR1):c.11198G>A (p.Cys3733Tyr)

Gene: RYR1 (ryanodine receptor 1; plus strand). Cytogenetic location: 19q13.2.
Variant type: single nucleotide variant.
Coding change: c.11198G>A on transcript NM_000540.3 (MANE Select); coding-DNA position 11198, G replaced by A.
Protein change: p.Cys3733Tyr; replaces cysteine 3733 with tyrosine.
Molecular consequence: missense variant.
Genome position (GRCh38, 1-based): chr19:38,532,675, G>A. VCF-style: chr19-38532675-G-A. GRCh37 (hg19) VCF-style: chr19-39023315-G-A.
Other names: c.11183G>A, p.Cys3728Tyr (NM_001042723.2); short protein forms C3733Y, C3728Y.
Identifiers: ClinVar variation 590378 (VCV000590378.14), dbSNP rs777478644, ClinGen allele CA056338.

ClinVar aggregate classification (germline): Uncertain significance. Review status: criteria provided, multiple submitters, no conflicts (2 of 4 stars). 6 submissions from 6 submitters: Uncertain significance (6). Last evaluated 2026-09-01.

Conditions:
Congenital multicore myopathy with external ophthalmoplegia (CMYO1B). Also called: Minicore myopathy with external ophthalmoplegia; Congenital myopathy 1B, autosomal recessive; Minicore myopathy; MULTICORE MYOPATHY; MULTIMINICORE DISEASE WITH EXTERNAL OPHTHALMOPLEGIA. Identifiers: Orphanet 598, Orphanet 98905, MedGen C1850674, MONDO:0009712, OMIM 255320, HP:0003789.
King Denborough syndrome (KDS). Identifiers: MedGen C1840365, MONDO:0020485, OMIM 619542.
Malignant hyperthermia, susceptibility to, 1 (MHS1). Also called: Anesthesia related hyperthermia; Malignant hyperpyrexia; Fulminating hyperpyrexia; Pharmacogenic myopathy; Malignant hyperthermia suceptibility 1; RYR1-Related Malignant Hyperthermia Susceptibility. Identifiers: Orphanet 423, MedGen C2930980, MONDO:0007783, OMIM 145600.
Congenital myopathy with fiber type disproportion. Also called: Congenital fiber-type disproportion myopathy; Congenital fiber-type disproportion. Identifiers: Orphanet 2020, MedGen C0546264, MONDO:0009711. Inheritance: all.
Central core myopathy (CMYO1A). Also called: Central core disease; Myopathy, central fibrillar; CONGENITAL MYOPATHY 1A, AUTOSOMAL DOMINANT, WITH SUSCEPTIBILITY TO MALIGNANT HYPERTHERMIA. Identifiers: Orphanet 597, MedGen C5830701, MONDO:0007294, OMIM 117000.
RYR1-related disorder. Also called: RYR1-related condition; RYR1-related disorders. Identifiers: MedGen CN239331.

Allele frequency attached by ClinVar (database versions not stated): gnomAD exomes 0.00001 and 0.00002; TOPMed 0.00001; ExAC 0.00002.
gnomAD v4.1: 21 of 1,614,114 alleles (0.0013%); highest among the groups gnomAD compares: Middle Eastern, 0.016%; no homozygotes.

Submissions (6):

CeGaT Center for Human Genetics Tuebingen
Classification: Uncertain significance. Last evaluated: 2026-09-01. Review status: criteria provided, single submitter. Criteria: CeGaT Center For Human Genetics Tuebingen Variant Classification Criteria Version 2. Collection method: clinical testing. Allele origin: germline. Affected: yes. Observed: 1 variant allele.
Comment: RYR1: PM2:Supporting, PP3

PreventionGenetics, part of Exact Sciences
Classification: Uncertain significance for RYR1-related condition. Last evaluated: 2026-07-30. Review status: criteria provided, single submitter. Criteria: ACMG Guidelines, 2015. Collection method: clinical testing. Allele origin: germline.
Comment: The RYR1 c.11198G>A variant is predicted to result in the amino acid substitution p.Cys3733Tyr. This variant has been reported with a second RYR1 variant in an individual with suspected RYR1-related myopathy (Supp. Table 1, Natera-de Benito et al. 2021. PubMed ID: 33333461). At PreventionGenetics, we have observed the [c.4927G>A; c.11198G>A] allele in trans with a second RYR1 variant in two siblings with features of RYR1-related myopathy (internal data). This variant is reported in 0.0029% of alleles in individuals of Latino descent in gnomAD. At this time, the clinical significance of this variant is uncertain due to the absence of conclusive functional and genetic evidence.

Women's Health and Genetics/Laboratory Corporation of America, LabCorp
Classification: Uncertain significance. Last evaluated: 2025-10-15. Review status: criteria provided, single submitter. Criteria: LabCorp Variant Classification Summary - May 2015. Collection method: clinical testing. Allele origin: germline.
Comment: Variant summary: RYR1 c.11198G>A (p.Cys3733Tyr) results in a non-conservative amino acid change in the encoded protein sequence. Algorithms developed to predict the effect of missense changes on protein structure and function all suggest that this variant is likely to be disruptive. The variant allele was found at a frequency of 1.6e-05 in 251322 control chromosomes (gnomAD). The available data on variant occurrences in the general population are insufficient to allow any conclusion about variant significance. c.11198G>A has been observed in one individual affected with Congenital myopathies (Natera-deBenito_2021). The report does not provide unequivocal conclusions about association of the variant with Congenital multicore myopathy with external ophthalmoplegia. To our knowledge, no experimental evidence demonstrating an impact on protein function has been reported. The following publication have been ascertained in the context of this evaluation (PMID: 33333461). ClinVar contains an entry for this variant (Variation ID: 590378). Based on the evidence outlined above, the variant was classified as uncertain significance.

Labcorp Genetics (formerly Invitae), Labcorp
Classification: Uncertain significance for RYR1-related disorder. Last evaluated: 2025-07-01. Review status: criteria provided, single submitter. Criteria: Invitae Variant Classification Sherloc (09022015). Collection method: clinical testing. Allele origin: germline.
Comment: This sequence change replaces cysteine, which is neutral and slightly polar, with tyrosine, which is neutral and polar, at codon 3733 of the RYR1 protein (p.Cys3733Tyr). This variant is present in population databases (rs777478644, gnomAD 0.003%). This missense change has been observed in individual(s) with autosomal recessive RYR1-related conditions (PMID: 33333461). This variant has been reported in individual(s) with autosomal dominant RYR1-related condition (internal data); however, the role of the variant in this condition is currently unclear. ClinVar contains an entry for this variant (Variation ID: 590378). Invitae Evidence Modeling of protein sequence and biophysical properties (such as structural, functional, and spatial information, amino acid conservation, physicochemical variation, residue mobility, and thermodynamic stability) indicates that this missense variant is expected to disrupt RYR1 protein function with a positive predictive value of 80%. In summary, the available evidence is currently insufficient to determine the role of this variant in disease. Therefore, it has been classified as a Variant of Uncertain Significance.

Revvity Omics, Revvity
Classification: Uncertain significance. Last evaluated: 2024-11-19. Review status: criteria provided, single submitter. Criteria: ACMG Guidelines, 2015. Collection method: clinical testing. Allele origin: germline.

Fulgent Genetics
Classification: Uncertain significance for Central core myopathy; Malignant hyperthermia, susceptibility to, 1; Congenital myopathy 4A, autosomal dominant; Congenital multicore myopathy with external ophthalmoplegia; King Denborough syndrome. Last evaluated: 2021-10-20. Review status: criteria provided, single submitter. Criteria: ACMG Guidelines, 2015. Collection method: clinical testing. Allele origin: unknown.

Literature cited by the submitters: PubMed 33333461 (cited by Women's Health and Genetics/Laboratory Corporation of America, LabCorp and Labcorp Genetics (formerly Invitae), Labcorp).